The following is an entry in ClinVar:

NM_001099922.3(ALG13):c.183C>T (p.Tyr61=)

Gene: ALG13 (ALG13 UDP-N-acetylglucosaminyltransferase subunit; plus strand). Cytogenetic location: Xq23.
Variant type: single nucleotide variant.
Coding change: c.183C>T on transcript NM_001099922.3 (MANE Select); coding-DNA position 183, C replaced by T.
Protein change: p.Tyr61=; no amino-acid change (tyrosine 61 retained).
Molecular consequence: synonymous variant. On other transcripts: missense variant (2), 5 prime UTR variant (4), non-coding transcript variant (1), intron variant (5).
Genome position (GRCh38, 1-based): chrX:111,682,233, C>T. VCF-style: chrX-111682233-C-T. GRCh37 (hg19) VCF-style: chrX-110925461-C-T.
Other names: c.183C>T, p.Tyr61= (NM_001039210.5, NM_001168385.3, NM_001324290.2 and 2 more transcripts); c.8C>T, p.Thr3Ile (NM_001257231.2, NM_001257241.3); c.-130C>T (NM_001257237.2, NM_001257239.3, NM_001257240.3 and 1 more transcripts); c.-127-3C>T (NM_001257234.2, NM_001257230.2, NM_001257235.3 and 2 more transcripts); short protein forms T3I.
Identifiers: ClinVar variation 238290 (VCV000238290.20), dbSNP rs146925326, ClinGen allele CA10493458.

ClinVar aggregate classification (germline): Benign. Review status: criteria provided, multiple submitters, no conflicts (2 of 4 stars). 6 submissions from 6 submitters: Benign (6). Last evaluated 2026-02-03.

Conditions:
Inborn genetic diseases. Identifiers: MedGen C0950123, MeSH D030342.
Developmental and epileptic encephalopathy, 36 (DEE36). Also called: Congenital disorder of glycosylation, type Is; Epileptic encephalopathy, early infantile, 36; ALG13-CDG. Identifiers: Orphanet 324422, MedGen C4317295, MONDO:0010472, OMIM 300884.

Allele frequency attached by ClinVar (database versions not stated): 1000 Genomes Project 0.00397; 1000 Genomes Project 30x 0.00437; gnomAD exomes 0.00809 and 0.01471; TOPMed 0.00844; ExAC 0.00895; gnomAD 0.00936 and 0.00950; ESP Exome Variant Server 0.01070.
gnomAD v4.1: 16,893 of 1,197,624 alleles (1.4%); highest among the groups gnomAD compares: Non-Finnish European, 1.8%; 139 homozygotes.

Submissions 1 to 31 of 83:

Labcorp Genetics (formerly Invitae), Labcorp
Classification: Benign for Developmental and epileptic encephalopathy, 36. Last evaluated: 2026-02-03. Review status: criteria provided, single submitter. Criteria: Invitae Variant Classification Sherloc (09022015). Collection method: clinical testing. Allele origin: germline.

Genome-Nilou Lab
Classification: Benign for Developmental and epileptic encephalopathy, 36. Last evaluated: 2021-12-05. Review status: criteria provided, single submitter. Criteria: ACMG Guidelines, 2015. Collection method: clinical testing. Allele origin: germline. Affected: no.

Athena Diagnostics
Classification: Benign. Last evaluated: 2018-03-19. Review status: criteria provided, single submitter. Criteria: Athena Diagnostics Criteria. Collection method: clinical testing. Allele origin: germline.

Ambry Genetics
Classification: Benign for Inborn genetic diseases. Last evaluated: 2016-04-14. Review status: criteria provided, single submitter. Criteria: Ambry Variant Classification Scheme 2023. Collection method: clinical testing. Allele origin: germline.

GeneDx
Classification: Benign. Last evaluated: 2016-01-14. Review status: criteria provided, single submitter. Criteria: GeneDx Variant Classification (06012015). Collection method: clinical testing. Allele origin: germline. Affected: yes.
Comment: This variant is considered likely benign or benign based on one or more of the following criteria: it is a conservative change, it occurs at a poorly conserved position in the protein, it is predicted to be benign by multiple in silico algorithms, and/or has population frequency not consistent with disease.

Breakthrough Genomics
Classification: Benign. Review status: criteria provided, single submitter. Criteria: ACMG Guidelines, 2015. Collection method: not provided. Allele origin: germline. Inheritance: X-linked inheritance. Affected: yes.

Dr. Peter K. Rogan Lab, Western University
No classification provided (evidence only). Condition: Clear cell carcinoma of kidney. Review status: no classification provided. Collection method: in vitro. Allele origin: not applicable. Functional consequence: retained intron. Not counted in ClinVar's aggregate classification.

Dr. Peter K. Rogan Lab, Western University
No classification provided (evidence only). Condition: Clear cell carcinoma of kidney. Review status: no classification provided. Collection method: in vitro. Allele origin: not applicable. Functional consequence: retained intron. Not counted in ClinVar's aggregate classification.

Dr. Peter K. Rogan Lab, Western University
No classification provided (evidence only). Condition: Clear cell carcinoma of kidney. Review status: no classification provided. Collection method: in vitro. Allele origin: not applicable. Functional consequence: retained intron. Not counted in ClinVar's aggregate classification.

Dr. Peter K. Rogan Lab, Western University
No classification provided (evidence only). Condition: Lung cancer. Review status: no classification provided. Collection method: in vitro. Allele origin: not applicable. Functional consequence: retained intron. Not counted in ClinVar's aggregate classification.

Dr. Peter K. Rogan Lab, Western University
No classification provided (evidence only). Condition: Lung cancer. Review status: no classification provided. Collection method: in vitro. Allele origin: not applicable. Functional consequence: retained intron. Not counted in ClinVar's aggregate classification.

Dr. Peter K. Rogan Lab, Western University
No classification provided (evidence only). Condition: Lung cancer. Review status: no classification provided. Collection method: in vitro. Allele origin: not applicable. Functional consequence: retained intron. Not counted in ClinVar's aggregate classification.

Dr. Peter K. Rogan Lab, Western University
No classification provided (evidence only). Condition: Lung cancer. Review status: no classification provided. Collection method: in vitro. Allele origin: not applicable. Functional consequence: retained intron. Not counted in ClinVar's aggregate classification.

Dr. Peter K. Rogan Lab, Western University
No classification provided (evidence only). Condition: Lung cancer. Review status: no classification provided. Collection method: in vitro. Allele origin: not applicable. Functional consequence: retained intron. Not counted in ClinVar's aggregate classification.

Dr. Peter K. Rogan Lab, Western University
No classification provided (evidence only). Condition: Lung cancer. Review status: no classification provided. Collection method: in vitro. Allele origin: not applicable. Functional consequence: retained intron. Not counted in ClinVar's aggregate classification.

Dr. Peter K. Rogan Lab, Western University
No classification provided (evidence only). Condition: Lung cancer. Review status: no classification provided. Collection method: in vitro. Allele origin: not applicable. Functional consequence: retained intron. Not counted in ClinVar's aggregate classification.

Dr. Peter K. Rogan Lab, Western University
No classification provided (evidence only). Condition: Lung cancer. Review status: no classification provided. Collection method: in vitro. Allele origin: not applicable. Functional consequence: retained intron. Not counted in ClinVar's aggregate classification.

Dr. Peter K. Rogan Lab, Western University
No classification provided (evidence only). Condition: Lung cancer. Review status: no classification provided. Collection method: in vitro. Allele origin: not applicable. Functional consequence: retained intron. Not counted in ClinVar's aggregate classification.

Dr. Peter K. Rogan Lab, Western University
No classification provided (evidence only). Condition: Melanoma. Review status: no classification provided. Collection method: in vitro. Allele origin: not applicable. Functional consequence: retained intron. Not counted in ClinVar's aggregate classification.

Dr. Peter K. Rogan Lab, Western University
No classification provided (evidence only). Condition: Melanoma. Review status: no classification provided. Collection method: in vitro. Allele origin: not applicable. Functional consequence: retained intron. Not counted in ClinVar's aggregate classification.

Dr. Peter K. Rogan Lab, Western University
No classification provided (evidence only). Condition: Melanoma. Review status: no classification provided. Collection method: in vitro. Allele origin: not applicable. Functional consequence: retained intron. Not counted in ClinVar's aggregate classification.

Dr. Peter K. Rogan Lab, Western University
No classification provided (evidence only). Condition: Melanoma. Review status: no classification provided. Collection method: in vitro. Allele origin: not applicable. Functional consequence: retained intron. Not counted in ClinVar's aggregate classification.

Dr. Peter K. Rogan Lab, Western University
No classification provided (evidence only). Condition: Melanoma. Review status: no classification provided. Collection method: in vitro. Allele origin: not applicable. Functional consequence: retained intron. Not counted in ClinVar's aggregate classification.

Dr. Peter K. Rogan Lab, Western University
No classification provided (evidence only). Condition: Melanoma. Review status: no classification provided. Collection method: in vitro. Allele origin: not applicable. Functional consequence: retained intron. Not counted in ClinVar's aggregate classification.

Dr. Peter K. Rogan Lab, Western University
No classification provided (evidence only). Condition: Melanoma. Review status: no classification provided. Collection method: in vitro. Allele origin: not applicable. Functional consequence: retained intron. Not counted in ClinVar's aggregate classification.

Dr. Peter K. Rogan Lab, Western University
No classification provided (evidence only). Condition: Melanoma. Review status: no classification provided. Collection method: in vitro. Allele origin: not applicable. Functional consequence: retained intron. Not counted in ClinVar's aggregate classification.

Dr. Peter K. Rogan Lab, Western University
No classification provided (evidence only). Condition: Melanoma. Review status: no classification provided. Collection method: in vitro. Allele origin: not applicable. Functional consequence: retained intron. Not counted in ClinVar's aggregate classification.

Dr. Peter K. Rogan Lab, Western University
No classification provided (evidence only). Condition: Melanoma. Review status: no classification provided. Collection method: in vitro. Allele origin: not applicable. Functional consequence: retained intron. Not counted in ClinVar's aggregate classification.

Dr. Peter K. Rogan Lab, Western University
No classification provided (evidence only). Condition: Familial cancer of breast. Review status: no classification provided. Collection method: in vitro. Allele origin: not applicable. Functional consequence: retained intron. Not counted in ClinVar's aggregate classification.

Dr. Peter K. Rogan Lab, Western University
No classification provided (evidence only). Condition: Acute myeloid leukemia. Review status: no classification provided. Collection method: in vitro. Allele origin: not applicable. Functional consequence: retained intron. Not counted in ClinVar's aggregate classification.

Dr. Peter K. Rogan Lab, Western University
No classification provided (evidence only). Condition: Acute myeloid leukemia. Review status: no classification provided. Collection method: in vitro. Allele origin: not applicable. Functional consequence: retained intron. Not counted in ClinVar's aggregate classification.